The following is an entry in ClinVar:

ClinVar aggregate classification (germline): Conflicting classifications of pathogenicity. Review status: criteria provided, conflicting classifications (1 of 4 stars). 14 submissions from 14 submitters: Uncertain significance (6); Benign (2); Likely benign (3). 3 of the submissions do not count toward it. Last evaluated 2026-01-31.

Conditions:
ATP6V1B1-related disorder. Also called: ATP6V1B1-related condition.
Renal tubular acidosis with progressive nerve deafness. Also called: Distal Renal Tubular Acidosis with Progressive Sensorineural Deafness; RENAL TUBULAR ACIDOSIS, AUTOSOMAL RECESSIVE, WITH PROGRESSIVE NERVE DEAFNESS; RTA WITH PROGRESSIVE NERVE DEAFNESS; renal tubular acidosis, distal, 2, with progressive sensorineural hearing loss. Identifiers: MedGen C0403554, MONDO:0009968, OMIM 267300.

Allele frequency attached by ClinVar (database versions not stated): 1000 Genomes Project 0.00120; 1000 Genomes Project 30x 0.00125; ESP Exome Variant Server 0.00185; TOPMed 0.00185.
gnomAD v4.1: 3,918 of 1,614,108 alleles (0.24%); highest among the groups gnomAD compares: Non-Finnish European, 0.3%; 8 homozygotes.

Submissions (14):

Labcorp Genetics (formerly Invitae), Labcorp
Classification: Likely benign. Last evaluated: 2026-01-31. Review status: criteria provided, single submitter. Criteria: Invitae Variant Classification Sherloc (09022015). Collection method: clinical testing. Allele origin: germline.

Mayo Clinic Laboratories, Mayo Clinic
Classification: Uncertain significance. Last evaluated: 2025-07-01. Review status: criteria provided, single submitter. Criteria: ACMG Guidelines, 2015. Collection method: clinical testing. Allele origin: germline. Observed: 1 variant allele.
Comment: BS1_supporting, PP3

Blueprint Genetics
Classification: Benign. Last evaluated: 2024-11-25. Review status: criteria provided, single submitter. Criteria: ACMG Guidelines, 2015. Collection method: clinical testing. Allele origin: germline.

Genome-Nilou Lab
Classification: Uncertain significance for Renal tubular acidosis with progressive nerve deafness. Last evaluated: 2021-05-18. Review status: criteria provided, single submitter. Criteria: ACMG Guidelines, 2015. Collection method: clinical testing. Allele origin: germline. Affected: no.

GeneDx
Classification: Likely benign. Last evaluated: 2021-04-14. Review status: criteria provided, single submitter. Criteria: GeneDx Variant Classification Process June 2021. Collection method: clinical testing. Allele origin: germline. Affected: yes.
Comment: This variant is associated with the following publications: (PMID: 24448499, 29310826)

CeGaT Center for Human Genetics Tuebingen
Classification: Uncertain significance. Last evaluated: 2021-01-01. Review status: criteria provided, single submitter. Criteria: CeGaT Center For Human Genetics Tuebingen Variant Classification Criteria Version 2. Collection method: clinical testing. Allele origin: germline. Affected: yes. Observed: 2 variant alleles.

Athena Diagnostics
Classification: Benign. Last evaluated: 2019-07-17. Review status: criteria provided, single submitter. Criteria: Athena Diagnostics Criteria. Collection method: clinical testing. Allele origin: germline.

Illumina Laboratory Services, Illumina
Classification: Uncertain significance for Renal tubular acidosis with progressive nerve deafness. Last evaluated: 2018-01-13. Review status: criteria provided, single submitter. Criteria: ICSL Variant Classification Criteria 13 December 2019. Collection method: clinical testing. Allele origin: germline.

Eurofins Ntd Llc (ga)
Classification: Uncertain significance. Last evaluated: 2017-11-08. Review status: criteria provided, single submitter. Criteria: EGL Classification Definitions 2015. Collection method: clinical testing. Allele origin: germline. Observed: 1 variant allele, 1 heterozygote.

Genomic Diagnostic Laboratory, Division of Genomic Diagnostics, Children's Hospital of Philadelphia
Classification: Uncertain significance. Last evaluated: 2015-08-24. Review status: criteria provided, single submitter. Criteria: DGD Variant Analysis Guidelines. Collection method: clinical testing. Allele origin: unknown.

Laboratory for Molecular Medicine, Mass General Brigham Personalized Medicine
Classification: Likely benign. Last evaluated: 2015-04-28. Review status: criteria provided, single submitter. Criteria: LMM Criteria. Collection method: clinical testing. Allele origin: germline. Observed: 9 variant alleles.
Comment: p.Ala272Val in exon 9 of ATP6V1B1: This variant is not expected to have clinical significance because it has been identified in 0.2% (145/66720) of European chr omosomes by the Exome Aggregation Consortium (ExAC, rg; dbSNP rs145735762).

PreventionGenetics, part of Exact Sciences
Classification: Likely benign for ATP6V1B1-related condition. Last evaluated: 2022-04-15. Review status: no assertion criteria provided. Collection method: clinical testing. Allele origin: germline. Not counted in ClinVar's aggregate classification.
Comment: This variant is classified as likely benign based on ACMG/AMP sequence variant interpretation guidelines (Richards et al. 2015 PMID: 25741868, with internal and published modifications).

Natera, Inc.
Classification: Uncertain significance for Renal tubular acidosis with progressive nerve deafness. Last evaluated: 2020-01-08. Review status: no assertion criteria provided. Collection method: clinical testing. Allele origin: germline. Not counted in ClinVar's aggregate classification.

Counsyl
Classification: Uncertain significance for Renal tubular acidosis with progressive nerve deafness. Last evaluated: 2017-11-03. Review status: no assertion criteria provided. Collection method: clinical testing. Allele origin: unknown. Not counted in ClinVar's aggregate classification.

Literature cited by the submitters: PubMed 29310826 (cited by Mayo Clinic Laboratories, Mayo Clinic and Athena Diagnostics); PubMed 24448499 (cited by Counsyl).

NM_001692.4(ATP6V1B1):c.815C>T (p.Ala272Val)

Gene: ATP6V1B1 (ATPase H+ transporting V1 subunit B1; plus strand). Cytogenetic location: 2p13.3.
Variant type: single nucleotide variant.
Coding change: c.815C>T on transcript NM_001692.4 (MANE Select); coding-DNA position 815, C replaced by T.
Protein change: p.Ala272Val; replaces alanine 272 with valine.
Molecular consequence: missense variant.
Genome position (GRCh38, 1-based): chr2:70,962,806, C>T. VCF-style: chr2-70962806-C-T. GRCh37 (hg19) VCF-style: chr2-71189936-C-T.
Other names: short protein forms A272V.
Identifiers: ClinVar variation 162762 (VCV000162762.72), dbSNP rs145735762, ClinGen allele CA175272.
Genomic context (GRCh38, chr2:70,962,806, plus strand): 5'-AGGCTCTCTAAACACCTGGCTACACCTCCAGGATCGAGCGGATCATCACCCCGCGCCTGG[C>T]GCTGACCACTGCTGAATTCCTTGCCTACCAGTGTGAGAAGCATGTGCTGGTCATACTGAC-3'
Protein context (NP_001683.2, residues 262-282): TIERIITPRL[Ala272Val]LTTAEFLAYQ